The following is an entry in ClinVar:

ClinVar aggregate classification (germline): Pathogenic (1 of 4 stars; one submission).

Conditions:
Ectopia lentis 1, isolated, autosomal dominant (ECTOL1). Identifiers: Orphanet 1885, MedGen C3541518, MONDO:0007514, OMIM 129600.

Submission:

3billion
Classification: Pathogenic for Ectopia lentis 1, isolated, autosomal dominant. Last evaluated: 2022-09-01. Review status: criteria provided, single submitter. Criteria: ACMG Guidelines, 2015. Collection method: clinical testing. Allele origin: germline. Affected: yes. Observed: 1 heterozygote.
Comment: The variant is not observed in the gnomAD v2.1.1 dataset. Functional studies provide strong evidence of the variant having a damaging effect on the gene or gene product (PMID: 29875124). In silico tool predictions suggest damaging effect of the variant on gene or gene product (REVEL: 0.99; 3Cnet: 1.00). Different nucleotide change resulting in same amino acid change has been previously reported to be associated with FBN1-related disorder (PMID: 21907952). Different missense changes at the same codon (p.Cys570Arg, p.Cys570Trp) have been reported as pathogenic/likely pathogenic with strong evidence (ClinVar ID: VCV000575196 , VCV000956400). Therefore, this variant is classified as Pathogenic according to the recommendation of ACMG/AMP guideline.

Literature cited by the submitters: PubMed 29875124; PubMed 21907952.

NM_000138.5(FBN1):c.1708T>A (p.Cys570Ser)

Gene: FBN1 (fibrillin 1; minus strand). Cytogenetic location: 15q21.1.
Variant type: single nucleotide variant.
Coding change: c.1708T>A on transcript NM_000138.5 (MANE Select); coding-DNA position 1708, T replaced by A.
Protein change: p.Cys570Ser; replaces cysteine 570 with serine.
Molecular consequence: missense variant.
Genome position (GRCh38, 1-based): chr15:48,510,050, A>T on the plus strand (T>A on the coding strand, the complement: FBN1 is on the minus strand). VCF-style: chr15-48510050-A-T. GRCh37 (hg19) VCF-style: chr15-48802247-A-T.
Other names: c.1708T>A, p.Cys570Ser (NM_001406716.1); short protein forms C570S.
Identifiers: ClinVar variation 1705611 (VCV001705611.1), dbSNP rs113902534, ClinGen allele CA392340933.
Genomic context (GRCh38, chr15:48,510,050, plus strand): 5'-TGATATTGAAACTGCAATGGAAGGAGAGGACTAACATTAGTATACTATTATTACCTTCAC[A>T]GTTCTTCCCATCTCGTGTAACATGAAAGCCCGCATTACACACGCAATGAAAACTGCCATC-3'
Protein context (NP_000129.3, residues 560-580): GFHVTRDGKN[Cys570Ser]EDMDECSIRN